The following is an entry in ClinVar:

NM_052947.4(ALPK2):c.4240T>C (p.Tyr1414His)

Genes: ALPK2 (alpha kinase 2; minus strand), LOC126862764 (BRD4-independent group 4 enhancer GRCh37_chr18:56202574-56203773; plus strand). Cytogenetic location: 18q21.31.
Variant type: single nucleotide variant.
Coding change: c.4240T>C on transcript NM_052947.4 (MANE Select); coding-DNA position 4240, T replaced by C.
Protein change: p.Tyr1414His; replaces tyrosine 1414 with histidine.
Molecular consequence: missense variant.
Genome position (GRCh38, 1-based): chr18:58,535,947, A>G on the plus strand (T>C on the coding strand, the complement: ALPK2 is on the minus strand). VCF-style: chr18-58535947-A-G. GRCh37 (hg19) VCF-style: chr18-56203179-A-G.
Other names: short protein forms Y1414H.
Identifiers: ClinVar variation 2449296 (VCV002449296.2), dbSNP rs750093088, ClinGen allele CA402563542.
Genomic context (GRCh38, chr18:58,535,947, plus strand): 5'-CCCCTTCTCTGGCGCCCTGTGGTGTGGTTTCAGAGGGCTCTGGTTTTCCAGCCCTGGTGT[A>G]CTCTATCACACTTATCTCATCAATGGGATCTACAGAGGACTCTAGGATTTTAGGGCAGGT-3'
Protein context (NP_443179.3, residues 1404-1424): DPIDEISVIE[Tyr1414His]TRAGKPEPSE

ClinVar aggregate classification (germline): Uncertain significance (1 of 4 stars; one submission).

Submission:

Ambry Genetics
Classification: Uncertain significance. Last evaluated: 2023-02-27. Review status: criteria provided, single submitter. Criteria: Ambry Variant Classification Scheme 2023. Collection method: clinical testing. Allele origin: germline.
Comment: The p.Y1414H variant (also known as c.4240T>C), located in coding exon 4 of the ALPK2 gene, results from a T to C substitution at nucleotide position 4240. The tyrosine at codon 1414 is replaced by histidine, an amino acid with similar properties. This amino acid position is conserved. In addition, this alteration is predicted to be tolerated by in silico analysis. Since supporting evidence is limited at this time, the clinical significance of this alteration remains unclear.